The following is an entry in ClinVar:

ClinVar aggregate classification (germline): Uncertain significance (1 of 4 stars; one submission).

Conditions:
Primary ciliary dyskinesia. Also called: Ciliary dyskinesia. Identifiers: Orphanet 244, MedGen C0008780, MONDO:0016575, HP:0012265.

gnomAD v4.1: 1 of 1,592,816 alleles (0.000063%); highest among the groups gnomAD compares: Non-Finnish European, 0.000086%; no homozygotes.

Submission:

Labcorp Genetics (formerly Invitae), Labcorp
Classification: Uncertain significance for Primary ciliary dyskinesia. Last evaluated: 2022-09-06. Review status: criteria provided, single submitter. Criteria: Invitae Variant Classification Sherloc (09022015). Collection method: clinical testing. Allele origin: germline.
Comment: This sequence change replaces proline, which is neutral and non-polar, with arginine, which is basic and polar, at codon 1208 of the DNAH11 protein (p.Pro1208Arg). This variant is not present in population databases (gnomAD no frequency). This variant has not been reported in the literature in individuals affected with DNAH11-related conditions. ClinVar contains an entry for this variant (Variation ID: 410837). Advanced modeling of protein sequence and biophysical properties (such as structural, functional, and spatial information, amino acid conservation, physicochemical variation, residue mobility, and thermodynamic stability) performed at Invitae indicates that this missense variant is not expected to disrupt DNAH11 protein function. In summary, the available evidence is currently insufficient to determine the role of this variant in disease. Therefore, it has been classified as a Variant of Uncertain Significance.

NM_001277115.2(DNAH11):c.3623C>G (p.Pro1208Arg)

Gene: DNAH11 (dynein axonemal heavy chain 11; plus strand). Cytogenetic location: 7p15.3.
Variant type: single nucleotide variant.
Coding change: c.3623C>G on transcript NM_001277115.2 (MANE Select); coding-DNA position 3623, C replaced by G.
Protein change: p.Pro1208Arg; replaces proline 1208 with arginine.
Molecular consequence: missense variant.
Genome position (GRCh38, 1-based): chr7:21,601,593, C>G. VCF-style: chr7-21601593-C-G. GRCh37 (hg19) VCF-style: chr7-21641211-C-G.
Other names: short protein forms P1208R.
Identifiers: ClinVar variation 410837 (VCV000410837.6), dbSNP rs1060503057, ClinGen allele CA16612164.